The following is an entry in ClinVar:

ClinVar aggregate classification (germline): Likely benign (1 of 4 stars; one submission).

Submission:

CeGaT Center for Human Genetics Tuebingen
Classification: Likely benign. Last evaluated: 2025-01-01. Review status: criteria provided, single submitter. Criteria: CeGaT Center For Human Genetics Tuebingen Variant Classification Criteria Version 2. Collection method: clinical testing. Allele origin: germline. Affected: yes. Observed: 1 variant allele.
Comment: CEL: BP4, BP7

NM_001807.6(CEL):c.1233C>T (p.Val411=)

Gene: CEL (carboxyl ester lipase; plus strand). Cytogenetic location: 9q34.13.
Variant type: single nucleotide variant.
Coding change: c.1233C>T on transcript NM_001807.6 (MANE Select); coding-DNA position 1233, C replaced by T.
Protein change: p.Val411=; no amino-acid change (valine 411 retained).
Molecular consequence: synonymous variant.
Genome position (GRCh38, 1-based): chr9:133,069,206, C>T. VCF-style: chr9-133069206-C-T. GRCh37 (hg19) VCF-style: chr9-135944593-C-T.
Identifiers: ClinVar variation 3772324 (VCV003772324.13).
Genomic context (GRCh38, chr9:133,069,206, plus strand): 5'-GGCCCAGGACCCATCCCAGGAGAATAAGAAGAAGACTGTGGTGGACTTTGAGACCGATGT[C>T]CTCTTCCTGGTGCCCACCGAGATTGCCCTAGCCCAGCACAGAGCCAATGCCAAGTGAGGA-3'
Protein context (NP_001798.3, residues 401-421): KKTVVDFETD[Val411=]LFLVPTEIAL